The following is an entry in ClinVar:

ClinVar aggregate classification (germline): Likely pathogenic (1 of 4 stars; one submission).

Conditions:
ADNP-related multiple congenital anomalies - intellectual disability - autism spectrum disorder. Also called: Helsmoortel-Van der Aa Syndrome; ADNP-Related Helsmoortel-Van der Aa Syndrome. Identifiers: Orphanet 404448, MedGen C4014538, MONDO:0014379, OMIM 615873. Disease mechanism: loss of function.

Submission:

3billion
Classification: Likely pathogenic for ADNP-related multiple congenital anomalies - intellectual disability - autism spectrum disorder. Last evaluated: 2022-09-01. Review status: criteria provided, single submitter. Criteria: ACMG Guidelines, 2015. Collection method: clinical testing. Allele origin: germline. Affected: yes. Observed: 1 heterozygote.
Comment: The variant is not observed in the gnomAD v2.1.1 dataset. Frameshift variant is predicted to result in a loss or disruption of normal protein function through protein truncation. The predicted truncated protein may be shortened by more than 10%. Therefore, this variant is classified as Likely pathogenic according to the recommendation of ACMG/AMP guideline.

NM_001282531.3(ADNP):c.443_446del (p.Lys148fs)

Gene: ADNP (activity dependent neuroprotector homeobox; minus strand). Cytogenetic location: 20q13.13.
Variant type: Deletion.
Coding change: c.443_446del on transcript NM_001282531.3 (MANE Select); coding-DNA positions 443 to 446, 4 bases deleted (AAAA; older notation c.443_446delAAAA).
Protein change: p.Lys148fs; shifts the reading frame from lysine 148.
Molecular consequence: frameshift variant.
Genome position (GRCh38, 1-based): chr20:50,894,268-50,894,271, TTTT deleted on the plus strand (AAAA on the coding strand, the reverse complement: ADNP is on the minus strand); deleting any 4 consecutive bases within chr20:50,894,268-50,894,272 gives the same sequence; the c. name uses the placement nearest the transcript's 3' end. VCF-style (leftmost placement, unchanged base first): chr20-50894267-ATTTT-A. GRCh37 (hg19) VCF-style: chr20-49510804-ATTTT-A.
Other names: c.443_446del, p.Lys148fs (NM_001282532.2, NM_001347511.2, NM_015339.5 and 1 more transcripts); short protein forms K148fs.
Identifiers: ClinVar variation 1705565 (VCV001705565.1), dbSNP rs2515591866, ClinGen allele CA2580098336.